The following is an entry in ClinVar:

ClinVar aggregate classification (germline): Uncertain significance (1 of 4 stars; one submission).

Submission:

Labcorp Genetics (formerly Invitae), Labcorp
Classification: Uncertain significance. Last evaluated: 2021-05-03. Review status: criteria provided, single submitter. Criteria: Invitae Variant Classification Sherloc (09022015). Collection method: clinical testing. Allele origin: germline.
Comment: This sequence change replaces glutamic acid with aspartic acid at codon 115 of the NDUFAF2 protein (p.Glu115Asp). The glutamic acid residue is highly conserved and there is a small physicochemical difference between glutamic acid and aspartic acid. This variant is not present in population databases (ExAC no frequency). This variant has not been reported in the literature in individuals with NDUFAF2-related conditions. Algorithms developed to predict the effect of missense changes on protein structure and function output the following: SIFT: "Tolerated"; PolyPhen-2: "Benign"; Align-GVGD: "Class C0". The aspartic acid amino acid residue is found in multiple mammalian species, suggesting that this missense change does not adversely affect protein function. These predictions have not been confirmed by published functional studies and their clinical significance is uncertain. In summary, the available evidence is currently insufficient to determine the role of this variant in disease. Therefore, it has been classified as a Variant of Uncertain Significance.

NM_174889.5(NDUFAF2):c.345G>C (p.Glu115Asp)

Gene: NDUFAF2 (NADH:ubiquinone oxidoreductase complex assembly factor 2; plus strand). Cytogenetic location: 5q12.1.
Variant type: single nucleotide variant.
Coding change: c.345G>C on transcript NM_174889.5 (MANE Select); coding-DNA position 345, G replaced by C.
Protein change: p.Glu115Asp; replaces glutamic acid 115 with aspartic acid.
Molecular consequence: missense variant.
Genome position (GRCh38, 1-based): chr5:61,152,790, G>C. VCF-style: chr5-61152790-G-C. GRCh37 (hg19) VCF-style: chr5-60448617-G-C.
Other names: short protein forms E115D.
Identifiers: ClinVar variation 1437258 (VCV001437258.7), dbSNP rs2111838875, ClinGen allele CA359936254.